The following is an entry in ClinVar:

NM_005502.4(ABCA1):c.1992G>A (p.Glu664=)

Gene: ABCA1 (ATP binding cassette subfamily A member 1; minus strand). Cytogenetic location: 9q31.1.
Variant type: single nucleotide variant.
Coding change: c.1992G>A on transcript NM_005502.4 (MANE Select); coding-DNA position 1992, G replaced by A.
Protein change: p.Glu664=; no amino-acid change (glutamic acid 664 retained).
Molecular consequence: synonymous variant.
Genome position (GRCh38, 1-based): chr9:104,829,039, C>T on the plus strand (G>A on the coding strand, the complement: ABCA1 is on the minus strand). VCF-style: chr9-104829039-C-T. GRCh37 (hg19) VCF-style: chr9-107591320-C-T.
Other names: p.Glu664=.
Identifiers: ClinVar variation 1573948 (VCV001573948.37), dbSNP rs375938870, ClinGen allele CA5168848.

ClinVar aggregate classification (germline): Likely benign. Review status: criteria provided, multiple submitters, no conflicts (2 of 4 stars). 6 submissions from 6 submitters: Likely benign (6). Last evaluated 2025-05-07.

Conditions:
Cardiovascular phenotype. Identifiers: MedGen CN230736.

Allele frequency attached by ClinVar (database versions not stated): ExAC 0.00003; ESP Exome Variant Server 0.00008; gnomAD exomes 0.00008 and 0.00010; gnomAD 0.00010 and 0.00011; TOPMed 0.00011.
gnomAD v4.1: 164 of 1,614,112 alleles (0.01%); highest among the groups gnomAD compares: Admixed American, 0.018%; no homozygotes.

Submissions (6):

Mayo Clinic Laboratories, Mayo Clinic
Classification: Likely benign. Last evaluated: 2025-05-07. Review status: criteria provided, single submitter. Criteria: ACMG Guidelines, 2015. Collection method: clinical testing. Allele origin: germline. Observed: 1 variant allele.
Comment: BP4, BP7

Labcorp Genetics (formerly Invitae), Labcorp
Classification: Likely benign. Last evaluated: 2024-12-12. Review status: criteria provided, single submitter. Criteria: Invitae Variant Classification Sherloc (09022015). Collection method: clinical testing. Allele origin: germline.

Women's Health and Genetics/Laboratory Corporation of America, LabCorp
Classification: Likely benign. Last evaluated: 2024-07-27. Review status: criteria provided, single submitter. Criteria: LabCorp Variant Classification Summary - May 2015. Collection method: clinical testing. Allele origin: germline.

Blueprint Genetics
Classification: Likely benign. Last evaluated: 2024-03-27. Review status: criteria provided, single submitter. Criteria: ACMG Guidelines, 2015. Collection method: clinical testing. Allele origin: germline.

CeGaT Center for Human Genetics Tuebingen
Classification: Likely benign. Last evaluated: 2022-03-01. Review status: criteria provided, single submitter. Criteria: CeGaT Center For Human Genetics Tuebingen Variant Classification Criteria Version 2. Collection method: clinical testing. Allele origin: germline. Affected: yes. Observed: 1 variant allele.
Comment: ABCA1: BP4, BP7

Ambry Genetics
Classification: Likely benign for Cardiovascular phenotype. Last evaluated: 2019-06-21. Review status: criteria provided, single submitter. Criteria: Ambry Variant Classification Scheme 2023. Collection method: clinical testing. Allele origin: germline.